The following is an entry in ClinVar:

NM_007254.4(PNKP):c.1430T>C (p.Met477Thr)

Gene: PNKP (polynucleotide kinase 3'-phosphatase; minus strand). Cytogenetic location: 19q13.33.
Variant type: single nucleotide variant.
Coding change: c.1430T>C on transcript NM_007254.4 (MANE Select); coding-DNA position 1430, T replaced by C.
Protein change: p.Met477Thr; replaces methionine 477 with threonine.
Molecular consequence: missense variant.
Genome position (GRCh38, 1-based): chr19:49,861,467, A>G on the plus strand (T>C on the coding strand, the complement: PNKP is on the minus strand). VCF-style: chr19-49861467-A-G. GRCh37 (hg19) VCF-style: chr19-50364724-A-G.
Other names: p.Met477Thr; c.1430T>C (NM_007254.2); short protein forms M477T.
Identifiers: ClinVar variation 565845 (VCV000565845.19), dbSNP rs766655539, ClinGen allele CA9586375.

ClinVar aggregate classification (germline): Uncertain significance. Review status: criteria provided, multiple submitters, no conflicts (2 of 4 stars). 6 submissions from 6 submitters: Uncertain significance (6). Last evaluated 2025-07-12.

Conditions:
Microcephaly, seizures, and developmental delay. Identifiers: Orphanet 1934, MedGen C3150667, MONDO:0013254, OMIM 613402.
Ataxia - oculomotor apraxia type 4. Identifiers: Orphanet 459033, MedGen C4225397, MONDO:0014557, OMIM 616267.
Inborn genetic diseases. Identifiers: MedGen C0950123, MeSH D030342.
Developmental and epileptic encephalopathy, 12 (DEE12). Identifiers: MedGen C3150988, MONDO:0013389, OMIM 613722.

Allele frequency attached by ClinVar (database versions not stated): gnomAD exomes below 0.00001; ExAC 0.00001; gnomAD 0.00001; TOPMed 0.00001.
gnomAD v4.1: 2 of 1,593,342 alleles (0.00013%); highest among the groups gnomAD compares: African/African-American, 0.0014%; no homozygotes.

Submissions (6):

Ambry Genetics
Classification: Uncertain significance for Inborn genetic diseases. Last evaluated: 2025-07-12. Review status: criteria provided, single submitter. Criteria: Ambry Variant Classification Scheme 2023. Collection method: clinical testing. Allele origin: germline.

Mayo Clinic Laboratories, Mayo Clinic
Classification: Uncertain significance. Last evaluated: 2024-04-15. Review status: criteria provided, single submitter. Criteria: ACMG Guidelines, 2015. Collection method: clinical testing. Allele origin: germline. Observed: 1 variant allele.
Comment: BP4, PM2_moderate

Labcorp Genetics (formerly Invitae), Labcorp
Classification: Uncertain significance for Developmental and epileptic encephalopathy, 12. Last evaluated: 2022-10-24. Review status: criteria provided, single submitter. Criteria: Invitae Variant Classification Sherloc (09022015). Collection method: clinical testing. Allele origin: germline.
Comment: ClinVar contains an entry for this variant (Variation ID: 565845). This sequence change replaces methionine, which is neutral and non-polar, with threonine, which is neutral and polar, at codon 477 of the PNKP protein (p.Met477Thr). This variant is present in population databases (rs766655539, gnomAD 0.004%). This variant has not been reported in the literature in individuals affected with PNKP-related conditions. Advanced modeling of protein sequence and biophysical properties (such as structural, functional, and spatial information, amino acid conservation, physicochemical variation, residue mobility, and thermodynamic stability) performed at Invitae indicates that this missense variant is not expected to disrupt PNKP protein function. In summary, the available evidence is currently insufficient to determine the role of this variant in disease. Therefore, it has been classified as a Variant of Uncertain Significance.

GeneDx
Classification: Uncertain significance. Last evaluated: 2022-10-04. Review status: criteria provided, single submitter. Criteria: GeneDx Variant Classification Process June 2021. Collection method: clinical testing. Allele origin: germline. Affected: yes.
Comment: In silico analysis supports that this missense variant has a deleterious effect on protein structure/function; Has not been previously published as pathogenic or benign to our knowledge; This variant is associated with the following publications: (PMID: 22508754)

Fulgent Genetics
Classification: Uncertain significance for Microcephaly, seizures, and developmental delay; Ataxia - oculomotor apraxia type 4. Last evaluated: 2018-10-31. Review status: criteria provided, single submitter. Criteria: ACMG Guidelines, 2015. Collection method: clinical testing. Allele origin: unknown.

Eurofins Ntd Llc (ga)
Classification: Uncertain significance. Last evaluated: 2018-04-12. Review status: criteria provided, single submitter. Criteria: EGL ClinVar v180209 classification definitions. Collection method: clinical testing. Allele origin: germline. Observed: 1 variant allele, 1 heterozygote.